The following is an entry in ClinVar:

NM_000088.4(COL1A1):c.2947G>T (p.Gly983Cys)

Gene: COL1A1 (collagen type I alpha 1 chain; minus strand). Cytogenetic location: 17q21.33.
Variant type: single nucleotide variant.
Coding change: c.2947G>T on transcript NM_000088.4 (MANE Select); coding-DNA position 2947, G replaced by T.
Protein change: p.Gly983Cys; replaces glycine 983 with cysteine.
Molecular consequence: missense variant.
Genome position (GRCh38, 1-based): chr17:50,189,001, C>A on the plus strand (G>T on the coding strand, the complement: COL1A1 is on the minus strand). VCF-style: chr17-50189001-C-A. GRCh37 (hg19) VCF-style: chr17-48266362-C-A.
Other names: short protein forms G983C.
Identifiers: ClinVar variation 3634722 (VCV003634722.2).

ClinVar aggregate classification (germline): Likely pathogenic (1 of 4 stars; one submission).

Conditions:
Osteogenesis imperfecta type I (OI1). Also called: Lobstein's Disease; Lobstein disease; Classic Non-deforming Osteogenesis Imperfecta with Blue Sclerae; OI, TYPE I; OSTEOGENESIS IMPERFECTA TARDA; OSTEOGENESIS IMPERFECTA WITH BLUE SCLERAE. Identifiers: Orphanet 216796, Orphanet 666, MedGen C0023931, MONDO:0008146, OMIM 166200. Disease mechanism: loss of function.

Submission:

Labcorp Genetics (formerly Invitae), Labcorp
Classification: Likely pathogenic for Osteogenesis imperfecta type I. Last evaluated: 2024-02-14. Review status: criteria provided, single submitter. Criteria: Invitae Variant Classification Sherloc (09022015). Collection method: clinical testing. Allele origin: germline.
Comment: This sequence change replaces glycine, which is neutral and non-polar, with cysteine, which is neutral and slightly polar, at codon 983 of the COL1A1 protein (p.Gly983Cys). This variant is not present in population databases (gnomAD no frequency). This variant has not been reported in the literature in individuals affected with COL1A1-related conditions. Advanced modeling of protein sequence and biophysical properties (such as structural, functional, and spatial information, amino acid conservation, physicochemical variation, residue mobility, and thermodynamic stability) performed at Invitae indicates that this missense variant is expected to disrupt COL1A1 protein function with a positive predictive value of 95%. This variant disrupts the triple helix domain of COL1A1. Glycine residues within the Gly-Xaa-Yaa repeats of the triple helix domain are required for the structure and stability of fibrillar collagens (PMID: 7695699, 8218237, 19344236). In COL1A1, variants affecting these glycine residues are significantly enriched in individuals with disease (PMID: 9016532, 17078022) compared to the general population (ExAC). In summary, the currently available evidence indicates that the variant is pathogenic, but additional data are needed to prove that conclusively. Therefore, this variant has been classified as Likely Pathogenic.

Literature cited by the submitters: PubMed 7695699; PubMed 8218237; PubMed 19344236; PubMed 9016532; PubMed 17078022.